The following is an entry in ClinVar:

NM_206933.4(USH2A):c.7939C>T (p.Pro2647Ser)

Gene: USH2A (usherin; minus strand). Cytogenetic location: 1q41.
Variant type: single nucleotide variant.
Coding change: c.7939C>T on transcript NM_206933.4 (MANE Select); coding-DNA position 7939, C replaced by T.
Protein change: p.Pro2647Ser; replaces proline 2647 with serine.
Molecular consequence: missense variant.
Genome position (GRCh38, 1-based): chr1:215,888,710, G>A on the plus strand (C>T on the coding strand, the complement: USH2A is on the minus strand). VCF-style: chr1-215888710-G-A. GRCh37 (hg19) VCF-style: chr1-216062052-G-A.
Other names: short protein forms P2647S.
Identifiers: ClinVar variation 936154 (VCV000936154.12), dbSNP rs1414367127, ClinGen allele CA344839410.

ClinVar aggregate classification (germline): Uncertain significance. Review status: criteria provided, multiple submitters, no conflicts (2 of 4 stars). 5 submissions from 4 submitters: Uncertain significance (4). 1 of the submissions does not count toward it. Last evaluated 2024-12-10.

Conditions:
Retinitis pigmentosa 39 (RP39). Identifiers: Orphanet 791, MedGen C3151138, MONDO:0013436, OMIM 613809.
Usher syndrome type 2A. Also called: RETINAL DISEASE IN USHER SYNDROME TYPE IIA, MODIFIER OF; USHER SYNDROME, TYPE IIA. Identifiers: Orphanet 231178, Orphanet 886, MedGen C1848634, MONDO:0010169, OMIM 276901.

gnomAD v4.1: 2 of 1,614,130 alleles (0.00012%); highest among the groups gnomAD compares: Middle Eastern, 0.016%; no homozygotes.

Submissions (5):

Labcorp Genetics (formerly Invitae), Labcorp
Classification: Uncertain significance. Last evaluated: 2024-12-10. Review status: criteria provided, single submitter. Criteria: Invitae Variant Classification Sherloc (09022015). Collection method: clinical testing. Allele origin: germline.
Comment: This sequence change replaces proline, which is neutral and non-polar, with serine, which is neutral and polar, at codon 2647 of the USH2A protein (p.Pro2647Ser). This variant is not present in population databases (gnomAD no frequency). This variant has not been reported in the literature in individuals affected with USH2A-related conditions. ClinVar contains an entry for this variant (Variation ID: 936154). Invitae Evidence Modeling of protein sequence and biophysical properties (such as structural, functional, and spatial information, amino acid conservation, physicochemical variation, residue mobility, and thermodynamic stability) indicates that this missense variant is not expected to disrupt USH2A protein function with a negative predictive value of 95%. In summary, the available evidence is currently insufficient to determine the role of this variant in disease. Therefore, it has been classified as a Variant of Uncertain Significance.

Genome-Nilou Lab
Classification: Uncertain significance for Retinitis pigmentosa 39. Last evaluated: 2023-11-04. Review status: criteria provided, single submitter. Criteria: ACMG Guidelines, 2015. Collection method: clinical testing. Allele origin: germline. Affected: no.

Genome-Nilou Lab
Classification: Uncertain significance for Usher syndrome type 2A. Last evaluated: 2023-11-04. Review status: criteria provided, single submitter. Criteria: ACMG Guidelines, 2015. Collection method: clinical testing. Allele origin: germline. Affected: no.

Women's Health and Genetics/Laboratory Corporation of America, LabCorp
Classification: Uncertain significance. Last evaluated: 2023-08-25. Review status: criteria provided, single submitter. Criteria: LabCorp Variant Classification Summary - May 2015. Collection method: clinical testing. Allele origin: germline.
Comment: Variant summary: USH2A c.7939C>T (p.Pro2647Ser) results in a non-conservative amino acid change located in the Fibronectin type III (IPR003961) of the encoded protein sequence. Four of five in-silico tools predict a benign effect of the variant on protein function. The variant was absent in 251136 control chromosomes. The available data on variant occurrences in the general population are insufficient to allow any conclusion about variant significance. c.7939C>T has been reported at a compound heterozygous state along with a frame-shifting pathogenic variant and another missense VUS variant in at-least one individual affected with Usher Syndrome (example, Columbo_2021 and 2022), however in other individuals affected with autosomal recessive retinitis pigmentosa or unspecified inherited retinal disease, it has been reported as a single heterozygous change, without a second disease-causing variant (example, Reurink_2023, Karali_2022). This variant, in cis along with c.14204C>G(p.Pro4735Arg) has been mentioned as a complex variant c.[14204C>G;7939C>T] (Karali_2022). These data do not allow any conclusion about variant significance. To our knowledge, no experimental evidence demonstrating an impact on protein function has been reported. The following publications have been ascertained in the context of this evaluation (PMID: 34781295, 33576794, 36460718, 36785559). Two submitters have cited clinical-significance assessments for this variant to ClinVar after 2014 (both uncertain significance). Based on the evidence outlined above, the variant was classified as uncertain significance.

Natera, Inc.
Classification: Uncertain significance for Usher syndrome type 2A. Last evaluated: 2020-01-29. Review status: no assertion criteria provided. Collection method: clinical testing. Allele origin: germline. Not counted in ClinVar's aggregate classification.

Literature cited by the submitters: PubMed 33576794 (cited by Women's Health and Genetics/Laboratory Corporation of America, LabCorp); PubMed 34781295 (cited by Women's Health and Genetics/Laboratory Corporation of America, LabCorp); PubMed 36460718 (cited by Women's Health and Genetics/Laboratory Corporation of America, LabCorp); PubMed 36785559 (cited by Women's Health and Genetics/Laboratory Corporation of America, LabCorp).